The following is an entry in ClinVar:

ClinVar aggregate classification (germline): Likely benign (0 of 4 stars; one submission).

Conditions:
TRPM4-related disorder. Also called: TRPM4-related disorders; TRPM4-related condition. Identifiers: MedGen CN239424.

Submission:

PreventionGenetics, part of Exact Sciences
Classification: Likely benign for TRPM4-related condition. Last evaluated: 2023-06-16. Review status: no assertion criteria provided. Collection method: clinical testing. Allele origin: germline.
Comment: This variant is classified as likely benign based on ACMG/AMP sequence variant interpretation guidelines (Richards et al. 2015 PMID: 25741868, with internal and published modifications).

NM_017636.4(TRPM4):c.2779-10C>A

Gene: TRPM4 (transient receptor potential cation channel subfamily M member 4; plus strand). Cytogenetic location: 19q13.33.
Variant type: single nucleotide variant.
Coding change: c.2779-10C>A on transcript NM_017636.4 (MANE Select); 10 bases into the intron before coding-DNA position 2779, C replaced by A.
Molecular consequence: intron variant.
Genome position (GRCh38, 1-based): chr19:49,200,601, C>A. VCF-style: chr19-49200601-C-A. GRCh37 (hg19) VCF-style: chr19-49703858-C-A.
Other names: c.2344-10C>A (NM_001195227.2); c.1171-10C>A (NM_001321282.2); c.2434-10C>A (NM_001321281.2); c.2257-10C>A (NM_001321283.2); c.1717-10C>A (NM_001321285.2).
Identifiers: ClinVar variation 3049660 (VCV003049660.2), dbSNP rs2514203060, ClinGen allele CA2740096958.